The following is an entry in ClinVar:

NM_004656.4(BAP1):c.2124_2125delinsTA (p.Leu709Ile)

Gene: BAP1 (BRCA1 associated deubiquitinase 1; minus strand). Cytogenetic location: 3p21.1.
Variant type: Indel.
Coding change: c.2124_2125delinsTA on transcript NM_004656.4 (MANE Select); coding-DNA positions 2124 to 2125, GC replaced by TA.
Protein change: p.Leu709Ile; replaces leucine 709 with isoleucine.
Molecular consequence: missense variant.
Genome position (GRCh38, 1-based): chr3:52,402,353-52,402,354, GC replaced by TA on the plus strand (GC replaced by TA on the coding strand, the reverse complement: BAP1 is on the minus strand). VCF-style: chr3-52402353-GC-TA. GRCh37 (hg19) VCF-style: chr3-52436369-GC-TA.
Other names: short protein forms L709I.
Identifiers: ClinVar variation 1002809 (VCV001002809.3), dbSNP rs1704983742, ClinGen allele CA1364834512.

ClinVar aggregate classification (germline): Uncertain significance (1 of 4 stars; one submission).

Conditions:
BAP1-related tumor predisposition syndrome (TPDS1). Also called: Tumor susceptibility linked to germline BAP1 mutations; BAP1 tumor predisposition syndrome; TUMOR PREDISPOSITION SYNDROME 1; COMMON Syndrome. Identifiers: Orphanet 289539, MedGen C3280492, MONDO:0013692, OMIM 614327.

Submission:

Labcorp Genetics (formerly Invitae), Labcorp
Classification: Uncertain significance for BAP1-related tumor predisposition syndrome. Last evaluated: 2020-02-13. Review status: criteria provided, single submitter. Criteria: Invitae Variant Classification Sherloc (09022015). Collection method: clinical testing. Allele origin: germline.
Comment: In summary, the available evidence is currently insufficient to determine the role of this variant in disease. Therefore, it has been classified as a Variant of Uncertain Significance. Experimental studies and prediction algorithms are not available or were not evaluated, and the functional significance of this variant is currently unknown. This variant has not been reported in the literature in individuals with BAP1-related conditions. This variant is not present in population databases (ExAC no frequency). This sequence change replaces leucine with isoleucine at codon 709 of the BAP1 protein (p.Leu709Ile). The leucine residue is highly conserved and there is a small physicochemical difference between leucine and isoleucine.